The following is an entry in ClinVar:

NM_007294.4(BRCA1):c.3658del (p.Asp1220fs)

Genes: BRCA1 (BRCA1 DNA repair associated; minus strand), LOC126862571 (BRD4-independent group 4 enhancer GRCh37_chr17:41243136-41244335; plus strand). Cytogenetic location: 17q21.31.
Variant type: Deletion.
Coding change: c.3658del on transcript NM_007294.4 (MANE Select); coding-DNA position 3658, one base deleted (G; older notation c.3658delG).
Protein change: p.Asp1220fs; shifts the reading frame from aspartic acid 1220.
Molecular consequence: frameshift variant. On other transcripts: intron variant (135).
Genome position (GRCh38, 1-based): chr17:43,091,873, C deleted on the plus strand (G on the coding strand, the reverse complement: BRCA1 is on the minus strand); the first of 2 consecutive C bases (chr17:43,091,873-43,091,874); deleting either gives the same sequence. VCF-style (leftmost placement, unchanged base first): chr17-43091872-TC-T. GRCh37 (hg19) VCF-style: chr17-41243889-TC-T.
Other names: c.3658delG (NM_007294.3); c.3514del, p.Asp1172fs (NM_001407745.1, NM_001407746.1, NM_001407747.1 and 20 more transcripts); c.3517del, p.Asp1173fs (NM_001407750.1, NM_001407751.1, NM_001407752.1 and 29 more transcripts); c.3445del, p.Asp1149fs (NM_001407853.1, NM_001407894.1, NM_001407895.1 and 9 more transcripts); c.3658del, p.Asp1220fs (NM_001407854.1, NM_001407858.1, NM_001407859.1 and 30 more transcripts); c.3655del, p.Asp1219fs (NM_001407860.1, NM_001407861.1, NM_001407587.1 and 22 more transcripts); c.3457del, p.Asp1153fs (NM_001407862.1); c.3535del, p.Asp1179fs (NM_001407863.1, NM_001407919.1, NM_001407937.1 and 19 more transcripts); and 42 more; short protein forms D1173fs, D1220fs, D1092fs, D1149fs, D1150fs, D352fs, D1052fs, D1132fs.
Identifiers: ClinVar variation 186452 (VCV000186452.7), dbSNP rs786202963, ClinGen allele CA002344.
Genomic context (GRCh38, chr17:43,091,872, plus strand): 5'-TGAGAAGGTATATTGTTTACTTTACCAAATAACAAGTGTTGGAAGCAGGGAAGCTCTTCA[TC>T]CTCACTAGATAAGTTCTCTTCTGAGGACTCTAATTTCTTGGCCCCTCTTCGGTAACCCTG-3'

ClinVar aggregate classification (germline): Pathogenic. Review status: reviewed by expert panel (3 of 4 stars). 2 submissions from 2 submitters: Pathogenic (1). 1 of the submissions does not count toward it. Last evaluated 2016-09-08.

Conditions:
Breast-ovarian cancer, familial, susceptibility to, 1 (BROVCA1). Also called: OVARIAN CANCER, SUSCEPTIBILITY TO; BRCA1 Hereditary Breast and Ovarian Cancer. Identifiers: Orphanet 145, MedGen C2676676, MONDO:0011450, OMIM 604370. Disease mechanism: loss of function.
Hereditary cancer-predisposing syndrome. Also called: Hereditary Cancer Syndrome; Hereditary neoplastic syndrome; Tumor predisposition; Neoplastic Syndromes, Hereditary. Identifiers: Orphanet 140162, MedGen C0027672, MeSH D009386, MONDO:0015356.

Submissions (2):

Evidence-based Network for the Interpretation of Germline Mutant Alleles (ENIGMA)
Classification: Pathogenic for Breast-ovarian cancer, familial, susceptibility to, 1. Last evaluated: 2016-09-08. Review status: reviewed by expert panel. Criteria: ENIGMA BRCA1/2 Classification Criteria (2015). Collection method: curation. Allele origin: germline.
Comment: Variant allele predicted to encode a truncated non-functional protein.

Ambry Genetics
Classification: Pathogenic for Hereditary cancer-predisposing syndrome. Last evaluated: 2019-11-12. Review status: criteria provided, single submitter. Criteria: Ambry Variant Classification Scheme 2023. Collection method: clinical testing. Allele origin: germline. Not counted in ClinVar's aggregate classification.
Comment: The c.3658delG pathogenic mutation, located in coding exon 9 of the BRCA1 gene, results from a deletion of one nucleotide at nucleotide position 3658, causing a translational frameshift with a predicted alternate stop codon (p.D1220Mfs*15). This alteration is expected to result in loss of function by premature protein truncation or nonsense-mediated mRNA decay. As such, this alteration is interpreted as a disease-causing mutation.